The following is an entry in ClinVar:

ClinVar aggregate classification (germline): Likely benign. Review status: criteria provided, multiple submitters, no conflicts (2 of 4 stars). 3 submissions from 3 submitters: Likely benign (3). Last evaluated 2026-01-21.

Conditions:
Combined oxidative phosphorylation defect type 17. Also called: Combined oxidative phosphorylation deficiency 17. Identifiers: Orphanet 369913, MedGen C3809526, MONDO:0014190, OMIM 615440.

Allele frequency attached by ClinVar (database versions not stated): ESP Exome Variant Server 0.00008; ExAC 0.00009; gnomAD 0.00014 and 0.00016; gnomAD exomes 0.00016 and 0.00017; TOPMed 0.00020; 1000 Genomes Project 30x 0.00031; 1000 Genomes Project 0.00040.
gnomAD v4.1: 271 of 1,614,214 alleles (0.017%); highest among the groups gnomAD compares: Admixed American, 0.038%; no homozygotes.

Submissions (3):

Labcorp Genetics (formerly Invitae), Labcorp
Classification: Likely benign for Combined oxidative phosphorylation defect type 17. Last evaluated: 2026-01-21. Review status: criteria provided, single submitter. Criteria: Invitae Variant Classification Sherloc (09022015). Collection method: clinical testing. Allele origin: germline.

CeGaT Center for Human Genetics Tuebingen
Classification: Likely benign. Last evaluated: 2025-09-01. Review status: criteria provided, single submitter. Criteria: CeGaT Center For Human Genetics Tuebingen Variant Classification Criteria Version 2. Collection method: clinical testing. Allele origin: germline. Affected: yes. Observed: 2 variant alleles.
Comment: ELAC2: BP4, BP7

Blueprint Genetics
Classification: Likely benign. Last evaluated: 2024-11-25. Review status: criteria provided, single submitter. Criteria: ACMG Guidelines, 2015. Collection method: clinical testing. Allele origin: germline.

NM_018127.7(ELAC2):c.1458T>C (p.Leu486=)

Gene: ELAC2 (elaC ribonuclease Z 2; minus strand). Cytogenetic location: 17p12.
Variant type: single nucleotide variant.
Coding change: c.1458T>C on transcript NM_018127.7 (MANE Select); coding-DNA position 1458, T replaced by C.
Protein change: p.Leu486=; no amino-acid change (leucine 486 retained).
Molecular consequence: synonymous variant.
Genome position (GRCh38, 1-based): chr17:12,998,474, A>G on the plus strand (T>C on the coding strand, the complement: ELAC2 is on the minus strand). VCF-style: chr17-12998474-A-G. GRCh37 (hg19) VCF-style: chr17-12901791-A-G.
Other names: c.1338T>C, p.Leu446= (NM_001165962.2); c.1455T>C, p.Leu485= (NM_173717.2).
Identifiers: ClinVar variation 241269 (VCV000241269.33), dbSNP rs150347734, ClinGen allele CA8401195.